The following is an entry in ClinVar:

ClinVar aggregate classification (germline): Uncertain significance (1 of 4 stars; one submission).

gnomAD v4.1: 1 of 1,613,556 alleles (0.000062%); highest among the groups gnomAD compares: Non-Finnish European, 0.000085%; no homozygotes.

Submission:

GeneDx
Classification: Uncertain significance. Last evaluated: 2022-03-17. Review status: criteria provided, single submitter. Criteria: GeneDx Variant Classification Process June 2021. Collection method: clinical testing. Allele origin: germline. Affected: yes.
Comment: Not observed at significant frequency in large population cohorts (gnomAD); In silico analysis supports a deleterious effect on splicing; Has not been previously published as pathogenic or benign to our knowledge

NM_138369.3(BOD1):c.238-8C>G

Gene: BOD1 (biorientation of chromosomes in cell division 1; minus strand). Cytogenetic location: 5q35.2.
Variant type: single nucleotide variant.
Coding change: c.238-8C>G on transcript NM_138369.3 (MANE Select); 8 bases into the intron before coding-DNA position 238, C replaced by G.
Molecular consequence: intron variant.
Genome position (GRCh38, 1-based): chr5:173,613,263, G>C on the plus strand (C>G on the coding strand, the complement: BOD1 is on the minus strand). VCF-style: chr5-173613263-G-C. GRCh37 (hg19) VCF-style: chr5-173040266-G-C.
Other names: c.238-8C>G (NM_001159651.3).
Identifiers: ClinVar variation 1706326 (VCV001706326.2), dbSNP rs746463603, ClinGen allele CA2580074043.